The following is an entry in ClinVar:

ClinVar aggregate classification (germline): Uncertain significance (1 of 4 stars; one submission).

Conditions:
SON-related disorder. Also called: SON-related condition.

Submission:

PreventionGenetics, part of Exact Sciences
Classification: Uncertain significance for SON-related condition. Last evaluated: 2025-01-24. Review status: criteria provided, single submitter. Criteria: ACMG Guidelines, 2015. Collection method: clinical testing. Allele origin: germline.
Comment: The SON c.4729G>A variant is predicted to result in the amino acid substitution p.Val1577Ile. To our knowledge, this variant has not been reported in the literature or in a large population database (gnomAD), indicating this variant is rare. At this time, the clinical significance of this variant is uncertain due to the absence of conclusive functional and genetic evidence.

NM_138927.4(SON):c.4729G>A (p.Val1577Ile)

Gene: SON (SON DNA and RNA binding protein; plus strand). Cytogenetic location: 21q22.11.
Variant type: single nucleotide variant.
Coding change: c.4729G>A on transcript NM_138927.4 (MANE Select); coding-DNA position 4729, G replaced by A.
Protein change: p.Val1577Ile; replaces valine 1577 with isoleucine.
Molecular consequence: missense variant. On other transcripts: non-coding transcript variant (1), intron variant (1).
Genome position (GRCh38, 1-based): chr21:33,553,960, G>A. VCF-style: chr21-33553960-G-A. GRCh37 (hg19) VCF-style: chr21-34926266-G-A.
Other names: c.4729G>A, p.Val1577Ile (NM_001291411.2, NM_032195.3); c.245-3196G>A (NM_001291412.3); short protein forms V1577I.
Identifiers: ClinVar variation 4985393 (VCV004985393.1).
Genomic context (GRCh38, chr21:33,553,960, plus strand): 5'-CCTGTTGGGGAAATTGGTGAAGAGAAAATTTTGCCCACCAGTGAGACTAAACAGCGCACA[G>A]TATTGGATACCTACCCTGGTGTTAGTGAAGCTGATGCAGGAGAAACTCTATCTTCTACTG-3'
Protein context (NP_620305.3, residues 1567-1587): LPTSETKQRT[Val1577Ile]LDTYPGVSEA